The following is an entry in ClinVar:

NM_152309.3(PIK3AP1):c.416A>C (p.Lys139Thr)

Gene: PIK3AP1 (phosphoinositide-3-kinase adaptor protein 1; minus strand). Cytogenetic location: 10q24.1.
Variant type: single nucleotide variant.
Coding change: c.416A>C on transcript NM_152309.3 (MANE Select); coding-DNA position 416, A replaced by C.
Protein change: p.Lys139Thr; replaces lysine 139 with threonine.
Molecular consequence: missense variant.
Genome position (GRCh38, 1-based): chr10:96,709,581, T>G on the plus strand (A>C on the coding strand, the complement: PIK3AP1 is on the minus strand). VCF-style: chr10-96709581-T-G. GRCh37 (hg19) VCF-style: chr10-98469338-T-G.
Other names: short protein forms K139T.
Identifiers: ClinVar variation 2262688 (VCV002262688.3), dbSNP rs750422147, ClinGen allele CA5626552.
Genomic context (GRCh38, chr10:96,709,581, plus strand): 5'-TTAGCAACTTTTCTAGGGCTTGCTTATCTTTAGAAGAAATCCTTACCTTCGGAAATGGCT[T>G]TTTTCACAGCTGCCACGTAGGTCTCTGGCTCATCGTCACAGGTGAGCTCCTGCCAATGGG-3'
Protein context (NP_689522.2, residues 129-149): EPETYVAAVK[Lys139Thr]AISEDSGCDS

ClinVar aggregate classification (germline): Uncertain significance. Review status: criteria provided, multiple submitters, no conflicts (2 of 4 stars). 2 submissions from 2 submitters: Uncertain significance (2). Last evaluated 2026-01-28.

Conditions:
Infantile spasms. Also called: Infantile spasm. Identifiers: MedGen C3887898, HP:0012469.

Allele frequency attached by ClinVar (database versions not stated): ExAC 0.00001; gnomAD exomes 0.00001.
gnomAD v4.1: 17 of 1,604,744 alleles (0.0011%); highest among the groups gnomAD compares: South Asian, 0.0033%; no homozygotes.

Submissions (2):

Labcorp Genetics (formerly Invitae), Labcorp
Classification: Uncertain significance for Infantile spasms. Last evaluated: 2026-01-28. Review status: criteria provided, single submitter. Criteria: Invitae Variant Classification Sherloc (09022015). Collection method: clinical testing. Allele origin: germline.
Comment: This sequence change replaces lysine, which is basic and polar, with threonine, which is neutral and polar, at codon 139 of the PIK3AP1 protein (p.Lys139Thr). This variant is present in population databases (rs750422147, gnomAD 0.003%). This variant has not been reported in the literature in individuals affected with PIK3AP1-related conditions. ClinVar contains an entry for this variant (Variation ID: 2262688). An algorithm developed to predict the effect of missense changes on protein structure and function (PolyPhen-2) suggests that this variant is likely to be disruptive. In summary, the available evidence is currently insufficient to determine the role of this variant in disease. Therefore, it has been classified as a Variant of Uncertain Significance.

Ambry Genetics
Classification: Uncertain significance. Last evaluated: 2021-11-30. Review status: criteria provided, single submitter. Criteria: Ambry Variant Classification Scheme 2023. Collection method: clinical testing. Allele origin: germline.